The following is an entry in ClinVar:

NM_198904.4(GABRG2):c.353C>T (p.Ala118Val)

Gene: GABRG2 (gamma-aminobutyric acid type A receptor subunit gamma2; plus strand). Cytogenetic location: 5q34.
Variant type: single nucleotide variant.
Coding change: c.353C>T on transcript NM_198904.4 (MANE Select); coding-DNA position 353, C replaced by T.
Protein change: p.Ala118Val; replaces alanine 118 with valine.
Molecular consequence: missense variant. On other transcripts: intron variant (2).
Genome position (GRCh38, 1-based): chr5:162,097,663, C>T. VCF-style: chr5-162097663-C-T. GRCh37 (hg19) VCF-style: chr5-161524669-C-T.
Other names: c.353C>T, p.Ala118Val (NM_000816.3, NM_001375340.1, NM_001375341.1 and 4 more transcripts); c.344C>T, p.Ala115Val (NM_001375339.1); c.287C>T, p.Ala96Val (NM_001375345.1, NM_001375346.1); c.266C>T, p.Ala89Val (NM_001375347.1); c.68C>T, p.Ala23Val (NM_001375349.1); c.-31-37C>T (NM_001375350.1, NM_001375348.1); short protein forms A118V, A115V, A23V, A89V, A96V.
Identifiers: ClinVar variation 581040 (VCV000581040.16), dbSNP rs772800839, ClinGen allele CA3544723.

ClinVar aggregate classification (germline): Uncertain significance. Review status: criteria provided, multiple submitters, no conflicts (2 of 4 stars). 4 submissions from 4 submitters: Uncertain significance (4). Last evaluated 2025-09-23.

Conditions:
Febrile seizures, familial, 8 (FEB8). Also called: CONVULSIONS, FAMILIAL FEBRILE, 8. Identifiers: Orphanet 36387, MedGen C1969810, MONDO:0011891, OMIM 607681.
Developmental and epileptic encephalopathy, 74. Also called: EPILEPTIC ENCEPHALOPATHY, EARLY INFANTILE, 74. Identifiers: MedGen C5193074, MONDO:0032725, OMIM 618396.
EPILEPSY, CHILDHOOD ABSENCE, SUSCEPTIBILITY TO, 2 (ECA2). Identifiers: Orphanet 64280, MedGen C1843244, OMIM 607681.

Allele frequency attached by ClinVar (database versions not stated): gnomAD exomes 0.00002; TOPMed 0.00002; ExAC 0.00003.
gnomAD v4.1: 34 of 1,612,560 alleles (0.0021%); highest among the groups gnomAD compares: Non-Finnish European, 0.0025%; no homozygotes.

Submissions (4):

Labcorp Genetics (formerly Invitae), Labcorp
Classification: Uncertain significance for Febrile seizures, familial, 8; EPILEPSY, CHILDHOOD ABSENCE, SUSCEPTIBILITY TO, 2. Last evaluated: 2025-09-23. Review status: criteria provided, single submitter. Criteria: Invitae Variant Classification Sherloc (09022015). Collection method: clinical testing. Allele origin: germline.
Comment: This sequence change replaces alanine, which is neutral and non-polar, with valine, which is neutral and non-polar, at codon 118 of the GABRG2 protein (p.Ala118Val). This variant is present in population databases (rs772800839, gnomAD 0.004%). This variant has not been reported in the literature in individuals affected with GABRG2-related conditions. ClinVar contains an entry for this variant (Variation ID: 581040). Invitae Evidence Modeling of protein sequence and biophysical properties (such as structural, functional, and spatial information, amino acid conservation, physicochemical variation, residue mobility, and thermodynamic stability) indicates that this missense variant is expected to disrupt GABRG2 protein function with a positive predictive value of 95%. In summary, the available evidence is currently insufficient to determine the role of this variant in disease. Therefore, it has been classified as a Variant of Uncertain Significance.

Genomic Medicine Center of Excellence, King Faisal Specialist Hospital and Research Centre
Classification: Uncertain significance for Febrile seizures, familial, 8. Last evaluated: 2024-03-25. Review status: criteria provided, single submitter. Criteria: ACMG Guidelines, 2015. Collection method: research. Allele origin: germline.

GeneDx
Classification: Uncertain significance. Last evaluated: 2023-02-08. Review status: criteria provided, single submitter. Criteria: GeneDx Variant Classification Process June 2021. Collection method: clinical testing. Allele origin: germline. Affected: yes.
Comment: Not observed at a significant frequency in large population cohorts (gnomAD); In silico analysis, which includes protein predictors and evolutionary conservation, supports a deleterious effect; Has not been previously published as pathogenic or benign to our knowledge

Fulgent Genetics
Classification: Uncertain significance for Febrile seizures, familial, 8; Developmental and epileptic encephalopathy, 74. Last evaluated: 2021-11-08. Review status: criteria provided, single submitter. Criteria: ACMG Guidelines, 2015. Collection method: clinical testing. Allele origin: unknown.